The following is an entry in ClinVar:

ClinVar aggregate classification (germline): Uncertain significance (1 of 4 stars; one submission).

Allele frequency attached by ClinVar (database versions not stated): ExAC 0.00001.
gnomAD v4.1: 11 of 1,595,144 alleles (0.00069%); highest among the groups gnomAD compares: Admixed American, 0.0034%; no homozygotes.

Submission:

Labcorp Genetics (formerly Invitae), Labcorp
Classification: Uncertain significance. Last evaluated: 2022-07-02. Review status: criteria provided, single submitter. Criteria: Invitae Variant Classification Sherloc (09022015). Collection method: clinical testing. Allele origin: germline.
Comment: This sequence change replaces glycine, which is neutral and non-polar, with valine, which is neutral and non-polar, at codon 204 of the RGS9BP protein (p.Gly204Val). This variant is present in population databases (rs772275521, gnomAD 0.003%). This variant has not been reported in the literature in individuals affected with RGS9BP-related conditions. Algorithms developed to predict the effect of missense changes on protein structure and function are either unavailable or do not agree on the potential impact of this missense change (SIFT: "Deleterious"; PolyPhen-2: "Possibly Damaging"; Align-GVGD: "Class C15"). In summary, the available evidence is currently insufficient to determine the role of this variant in disease. Therefore, it has been classified as a Variant of Uncertain Significance.

NM_207391.3(RGS9BP):c.611G>T (p.Gly204Val)

Gene: RGS9BP (regulator of G protein signaling 9 binding protein; plus strand). Cytogenetic location: 19q13.11.
Variant type: single nucleotide variant.
Coding change: c.611G>T on transcript NM_207391.3 (MANE Select); coding-DNA position 611, G replaced by T.
Protein change: p.Gly204Val; replaces glycine 204 with valine.
Molecular consequence: missense variant.
Genome position (GRCh38, 1-based): chr19:32,676,874, G>T. VCF-style: chr19-32676874-G-T. GRCh37 (hg19) VCF-style: chr19-33167780-G-T.
Other names: short protein forms G204V.
Identifiers: ClinVar variation 2166607 (VCV002166607.1), dbSNP rs772275521, ClinGen allele CA9357568.